The following is an entry in ClinVar:

NM_002267.4(KPNA3):c.1336G>A (p.Ala446Thr)

Gene: KPNA3 (karyopherin subunit alpha 3; minus strand). Cytogenetic location: 13q14.2.
Variant type: single nucleotide variant.
Coding change: c.1336G>A on transcript NM_002267.4 (MANE Select); coding-DNA position 1336, G replaced by A.
Protein change: p.Ala446Thr; replaces alanine 446 with threonine.
Molecular consequence: missense variant.
Genome position (GRCh38, 1-based): chr13:49,705,657, C>T on the plus strand (G>A on the coding strand, the complement: KPNA3 is on the minus strand). VCF-style: chr13-49705657-C-T. GRCh37 (hg19) VCF-style: chr13-50279793-C-T.
Other names: short protein forms A446T.
Identifiers: ClinVar variation 3907880 (VCV003907880.1).

ClinVar aggregate classification (germline): Uncertain significance (1 of 4 stars; one submission).

Submission:

GeneDx
Classification: Uncertain significance. Last evaluated: 2024-12-24. Review status: criteria provided, single submitter. Criteria: GeneDx Variant Classification Process June 2021. Collection method: clinical testing. Allele origin: germline. Affected: yes.
Comment: Not observed at significant frequency in large population cohorts (gnomAD); In silico analysis indicates that this missense variant does not alter protein structure/function; Has not been previously published as pathogenic or benign to our knowledge